The following is an entry in ClinVar:

ClinVar aggregate classification (germline): Uncertain significance (1 of 4 stars; one submission).

Submission:

Labcorp Genetics (formerly Invitae), Labcorp
Classification: Uncertain significance. Last evaluated: 2022-12-28. Review status: criteria provided, single submitter. Criteria: Invitae Variant Classification Sherloc (09022015). Collection method: clinical testing. Allele origin: germline.
Comment: In summary, the available evidence is currently insufficient to determine the role of this variant in disease. Therefore, it has been classified as a Variant of Uncertain Significance. Experimental studies and prediction algorithms are not available or were not evaluated, and the functional significance of this variant is currently unknown. This variant has not been reported in the literature in individuals affected with GATA5-related conditions. This variant is present in population databases (no rsID available, gnomAD 0.01%). This sequence change creates a premature translational stop signal (p.Arg111Profs*75) in the GATA5 gene. It is expected to result in an absent or disrupted protein product. However, the current clinical and genetic evidence is not sufficient to establish whether loss-of-function variants in GATA5 cause disease.

NM_080473.5(GATA5):c.329dup (p.Arg111fs)

Gene: GATA5 (GATA binding protein 5; minus strand). Cytogenetic location: 20q13.33.
Variant type: Duplication.
Coding change: c.329dup on transcript NM_080473.5 (MANE Select); coding-DNA position 329, one base duplicated (G; older notation c.329dupG).
Protein change: p.Arg111fs; shifts the reading frame from arginine 111.
Molecular consequence: frameshift variant.
Genome position (GRCh38, 1-based): chr20:62,475,193, C duplicated on the plus strand (G on the coding strand, the reverse complement: GATA5 is on the minus strand); the first of 6 consecutive C bases (chr20:62,475,193-62,475,198); duplicating any one gives the same sequence. VCF-style (leftmost placement, unchanged base first): chr20-62475192-G-GC. GRCh37 (hg19) VCF-style: chr20-61050248-G-GC.
Other names: short protein forms R111fs.
Identifiers: ClinVar variation 2787083 (VCV002787083.3), dbSNP rs1434141622, ClinGen allele CA636611402.